The following is an entry in ClinVar:

ClinVar aggregate classification (germline): Likely pathogenic. Review status: criteria provided, multiple submitters, no conflicts (2 of 4 stars). 2 submissions from 2 submitters: Likely pathogenic (2). Last evaluated 2024-05-23.

Conditions:
Mucopolysaccharidosis, MPS-III-B (MPS3B). Also called: N-ACETYL-ALPHA-D-GLUCOSAMINIDASE DEFICIENCY; NAGLU DEFICIENCY; SANFILIPPO SYNDROME B; MPS III B; MPS IIIB (Sanfilippo Syndrome Type B); MUCOPOLYSACCHARIDOSIS, TYPE IIIB. Identifiers: Orphanet 79270, MedGen C0086648, MONDO:0009656, OMIM 252920.
Charcot-Marie-Tooth disease axonal type 2V. Also called: CHARCOT-MARIE-TOOTH DISEASE, AXONAL, AUTOSOMAL DOMINANT, TYPE 2V; CHARCOT-MARIE-TOOTH NEUROPATHY, TYPE 2V. Identifiers: Orphanet 447964, MedGen C5569050, MONDO:0014665, OMIM 616491.

Submissions (2):

Fulgent Genetics
Classification: Likely pathogenic for Mucopolysaccharidosis, MPS-III-B; Charcot-Marie-Tooth disease axonal type 2V. Last evaluated: 2024-05-23. Review status: criteria provided, single submitter. Criteria: ACMG Guidelines, 2015. Collection method: clinical testing. Allele origin: germline.

Women's Health and Genetics/Laboratory Corporation of America, LabCorp
Classification: Likely pathogenic for Mucopolysaccharidosis, MPS-III-B. Last evaluated: 2024-05-17. Review status: criteria provided, single submitter. Criteria: LabCorp Variant Classification Summary - May 2015. Collection method: clinical testing. Allele origin: germline.
Comment: Variant summary: NAGLU c.1310C>T (p.Thr437Ile) results in a non-conservative amino acid change located in the alpha-N-acetylglucosaminidase, tim-barrel domain (IPR024733) of the encoded protein sequence. Five of five in-silico tools predict a damaging effect of the variant on protein function. The variant was absent in 250304 control chromosomes. c.1310C>T has been reported in the literature in the homozygous state in at least one individual affected with Mucopolysaccharidosis Type IIIB (Sanfilippo Syndrome B) (e.g. Emre_2002). These data indicate that the variant may be associated with disease. At least one in vitro study in HEK293 cells reports experimental evidence that this variant causes 5.9-10.5% enzyme activity compared to wildtype (e.g. Clark_2018). The following publications have been ascertained in the context of this evaluation (PMID: 29979746, 11793481). No submitters have cited clinical-significance assessments for this variant to ClinVar. Based on the evidence outlined above, the variant was classified as likely pathogenic.

Literature cited by the submitters: PubMed 29979746 (cited by Women's Health and Genetics/Laboratory Corporation of America, LabCorp); PubMed 11793481 (cited by Women's Health and Genetics/Laboratory Corporation of America, LabCorp).

NM_000263.4(NAGLU):c.1310C>T (p.Thr437Ile)

Gene: NAGLU (N-acetyl-alpha-glucosaminidase; plus strand). Cytogenetic location: 17q21.2.
Variant type: single nucleotide variant.
Coding change: c.1310C>T on transcript NM_000263.4 (MANE Select); coding-DNA position 1310, C replaced by T.
Protein change: p.Thr437Ile; replaces threonine 437 with isoleucine.
Molecular consequence: missense variant.
Genome position (GRCh38, 1-based): chr17:42,543,316, C>T. VCF-style: chr17-42543316-C-T. GRCh37 (hg19) VCF-style: chr17-40695334-C-T.
Other names: short protein forms T437I.
Identifiers: ClinVar variation 3336527 (VCV003336527.2).